The following is an entry in ClinVar:

NM_000257.4(MYH7):c.1049A>G (p.Tyr350Cys)

Gene: MYH7 (myosin heavy chain 7; minus strand). Cytogenetic location: 14q11.2.
Variant type: single nucleotide variant.
Coding change: c.1049A>G on transcript NM_000257.4 (MANE Select); coding-DNA position 1049, A replaced by G.
Protein change: p.Tyr350Cys; replaces tyrosine 350 with cysteine.
Molecular consequence: missense variant.
Genome position (GRCh38, 1-based): chr14:23,429,864, T>C on the plus strand (A>G on the coding strand, the complement: MYH7 is on the minus strand). VCF-style: chr14-23429864-T-C. GRCh37 (hg19) VCF-style: chr14-23899073-T-C.
Other names: c.1049A>G (LRG_384t1); short protein forms Y350C.
Identifiers: ClinVar variation 234667 (VCV000234667.13), dbSNP rs876661150, ClinGen allele CA10577509.

ClinVar aggregate classification (germline): Conflicting classifications of pathogenicity. Review status: criteria provided, conflicting classifications (1 of 4 stars). 5 submissions from 5 submitters: Pathogenic (1); Uncertain significance (2). 2 of the submissions do not count toward it. Last evaluated 2023-09-12.

Conditions:
Hypertrophic cardiomyopathy. Also called: HYPERTROPHIC MYOCARDIOPATHY. Identifiers: Orphanet 217569, MedGen C0007194, MeSH D002312, MONDO:0005045, HP:0001639.

Submissions (5):

Blueprint Genetics
Classification: Uncertain significance. Last evaluated: 2023-09-12. Review status: criteria provided, single submitter. Criteria: ACMG Guidelines, 2015. Collection method: clinical testing. Allele origin: germline.

Labcorp Genetics (formerly Invitae), Labcorp
Classification: Pathogenic for Hypertrophic cardiomyopathy. Last evaluated: 2023-03-23. Review status: criteria provided, single submitter. Criteria: Invitae Variant Classification Sherloc (09022015). Collection method: clinical testing. Allele origin: germline.
Comment: This sequence change replaces tyrosine, which is neutral and polar, with cysteine, which is neutral and slightly polar, at codon 350 of the MYH7 protein (p.Tyr350Cys). This variant is not present in population databases (gnomAD no frequency). This missense change has been observed in individual(s) with left ventricular noncompaction (Invitae). It has also been observed to segregate with disease in related individuals. ClinVar contains an entry for this variant (Variation ID: 234667). Advanced modeling of protein sequence and biophysical properties (such as structural, functional, and spatial information, amino acid conservation, physicochemical variation, residue mobility, and thermodynamic stability) performed at Invitae indicates that this missense variant is expected to disrupt MYH7 protein function. This variant disrupts the p.Tyr350 amino acid residue in MYH7. Other variant(s) that disrupt this residue have been determined to be pathogenic (PMID: 21127202, 34540771). This suggests that this residue is clinically significant, and that variants that disrupt this residue are likely to be disease-causing. For these reasons, this variant has been classified as Pathogenic.

GeneDx
Classification: Uncertain significance. Last evaluated: 2017-05-23. Review status: criteria provided, single submitter. Criteria: GeneDx Variant Classification (06012015). Collection method: clinical testing. Allele origin: germline. Affected: yes.
Comment: The Y350C variant has not been published as a pathogenic variant, nor has it been reported as a benign variant to our knowledge. The Y350C variant was not observed in approximately 6,500 individuals of European and African American ancestry in the NHLBI Exome Sequencing Project, indicating it is not a common benign variant in these populations. The Y350C variant is a non-conservative amino acid substitution, which is likely to impact secondary protein structure as these residues differ in polarity, charge, size and/or other properties. This substitution occurs at a position that is conserved across species and in silico analysis predicts this variant is probably damaging to the protein structure/function. Furthermore, missense variants in nearby residues (M349T, K351E, A355T) have been reported in the Human Gene Mutation Database in association with HCM (Stenson et al., 2014), supporting the functional importance of this region of the protein. However, additional evidence is needed to determine whether this variant is pathogenic or benign.

Clinical Genetics DNA and cytogenetics Diagnostics Lab, Erasmus MC, Erasmus Medical Center
Classification: Uncertain significance. Review status: no assertion criteria provided. Collection method: clinical testing. Allele origin: germline. Affected: yes. Study: VKGL Data-share Consensus. Not counted in ClinVar's aggregate classification.

Clinical Genetics, Academic Medical Center
Classification: Uncertain significance. Review status: no assertion criteria provided. Collection method: clinical testing. Allele origin: germline. Affected: yes. Study: VKGL Data-share Consensus. Not counted in ClinVar's aggregate classification.

Literature cited by the submitters: PubMed 21127202 (cited by Labcorp Genetics (formerly Invitae), Labcorp); PubMed 34540771 (cited by Labcorp Genetics (formerly Invitae), Labcorp).